The following is an entry in ClinVar:

ClinVar aggregate classification (germline): Pathogenic/Likely pathogenic. Review status: criteria provided, multiple submitters, no conflicts (2 of 4 stars). 2 submissions from 2 submitters: Pathogenic (1); Likely pathogenic (1). Last evaluated 2024-09-24.

Conditions:
Leukoencephalopathy-thalamus and brainstem anomalies-high lactate syndrome. Also called: LEUKOENCEPHALOPATHY WITH THALAMUS AND BRAINSTEM INVOLVEMENT AND HIGH LACTATE; Combined oxidative phosphorylation deficiency 12. Identifiers: Orphanet 314051, MedGen C4706421, MONDO:0013971, OMIM 614924.

Submissions (2):

Women's Health and Genetics/Laboratory Corporation of America, LabCorp
Classification: Pathogenic for Leukoencephalopathy-thalamus and brainstem anomalies-high lactate syndrome. Last evaluated: 2024-09-24. Review status: criteria provided, single submitter. Criteria: LabCorp Variant Classification Summary - May 2015. Collection method: clinical testing. Allele origin: germline.
Comment: Variant summary: EARS2 c.1A>G (p.Met1?, aka p.Met1Val) alters the initiation codon and is predicted to result either in absence of the protein or truncation of the encoded protein due to translation initiation at a downstream codon. The first potential downstream in-frame start codon (ATG) is located in exon 2 at Met94, which is not a canonical initiation codon in any known alternative transcripts. The frequency data for this variant in gnomAD is considered unreliable, as metrics indicate poor data quality at this position. c.1A>G has been reported in the literature in multiple individuals affected with Leukoencephalopathy-Thalamus And Brainstem Anomalies-High Lactate Syndrome or related phenotypes (e.g. Steenweg_2012, Nogueira_2019, Roux_2021). These data indicate that the variant is likely to be associated with disease. To our knowledge, no experimental evidence demonstrating an impact on protein function has been reported. The following publications have been ascertained in the context of this evaluation (PMID: 22492562, 30831263, 33972171). No submitters have cited clinical-significance assessments for this variant to ClinVar. Based on the evidence outlined above, the variant was classified as pathogenic.

3billion
Classification: Likely pathogenic for Leukoencephalopathy-thalamus and brainstem anomalies-high lactate syndrome. Last evaluated: 2024-06-19. Review status: criteria provided, single submitter. Criteria: ACMG Guidelines, 2015. Collection method: clinical testing. Allele origin: germline. Affected: yes.
Comment: The variant is observed at an extremely low frequency in the gnomAD v4.0.0 dataset (total allele frequency: <0.001%). Predicted Consequence/Location: Start-lost: reinitiation of translation may occur at a downstream alternate start codon but still result in a loss or disruption of normal protein function as there have been pathogenic variants reported upstream of the alternate start codon. The variant has been reported to be in trans with a pathogenic variant as either compound heterozygous or homozygous in at least one similarly affected unrelated individual (PMID: 22492562). The variant has been reported to be associated with EARS2-related disorder (PMID: 22492562). Therefore, this variant is classified as Likely pathogenic according to the recommendation of ACMG/AMP guideline.

Literature cited by the submitters: PubMed 30831263 (cited by Women's Health and Genetics/Laboratory Corporation of America, LabCorp); PubMed 33972171 (cited by Women's Health and Genetics/Laboratory Corporation of America, LabCorp); PubMed 22492562 (cited by Women's Health and Genetics/Laboratory Corporation of America, LabCorp and 3billion).

NM_001083614.2(EARS2):c.1A>G (p.Met1Val)

Gene: EARS2 (glutamyl-tRNA synthetase 2, mitochondrial; minus strand). Cytogenetic location: 16p12.2.
Variant type: single nucleotide variant.
Coding change: c.1A>G on transcript NM_001083614.2 (MANE Select); coding-DNA position 1, A replaced by G.
Protein change: p.Met1Val; changes the start codon (methionine 1).
Molecular consequence: missense variant, initiator codon variant. On other transcripts: non-coding transcript variant (1).
Genome position (GRCh38, 1-based): chr16:23,557,343, T>C on the plus strand (A>G on the coding strand, the complement: EARS2 is on the minus strand). VCF-style: chr16-23557343-T-C. GRCh37 (hg19) VCF-style: chr16-23568664-T-C.
Other names: c.1A>G, p.Met1Val (NM_001308211.1); short protein forms M1V.
Identifiers: ClinVar variation 3375261 (VCV003375261.2).